The following is an entry in ClinVar:

NM_001281740.3(FHOD3):c.2916G>A (p.Pro972=)

Gene: FHOD3 (formin homology 2 domain containing 3; plus strand). Cytogenetic location: 18q12.2.
Variant type: single nucleotide variant.
Coding change: c.2916G>A on transcript NM_001281740.3 (MANE Select); coding-DNA position 2916, G replaced by A.
Protein change: p.Pro972=; no amino-acid change (proline 972 retained).
Molecular consequence: synonymous variant.
Genome position (GRCh38, 1-based): chr18:36,718,214, G>A. VCF-style: chr18-36718214-G-A. GRCh37 (hg19) VCF-style: chr18-34298177-G-A.
Other names: c.2340G>A, p.Pro780= (NM_001281739.3); c.2391G>A, p.Pro797= (NM_025135.5); c.2916G>A (NM_001281740.2).
Identifiers: ClinVar variation 709375 (VCV000709375.6), dbSNP rs369638305, ClinGen allele CA8941983.

ClinVar aggregate classification (germline): Likely benign. Review status: criteria provided, multiple submitters, no conflicts (2 of 4 stars). 4 submissions from 4 submitters: Likely benign (4). Last evaluated 2026-06-16.

Conditions:
FHOD3-related disorder. Also called: FHOD3-related condition.

Allele frequency attached by ClinVar (database versions not stated): ESP Exome Variant Server 0.00008; gnomAD exomes 0.00009; ExAC 0.00010; TOPMed 0.00010; gnomAD 0.00011.
gnomAD v4.1: 155 of 1,614,118 alleles (0.0096%); highest among the groups gnomAD compares: African/African-American, 0.016%; no homozygotes.

Submissions (4):

PreventionGenetics, part of Exact Sciences
Classification: Likely benign for FHOD3-related condition. Last evaluated: 2026-06-16. Review status: criteria provided, single submitter. Criteria: ACMG Guidelines, 2015. Collection method: clinical testing. Allele origin: germline.
Comment: This variant is classified as likely benign based on ACMG/AMP sequence variant interpretation guidelines (Richards et al. 2015 PMID: 25741868, with internal and published modifications).

Molecular Diagnostic Laboratory for Inherited Cardiovascular Disease, Montreal Heart Institute
Classification: Likely benign. Last evaluated: 2025-07-24. Review status: criteria provided, single submitter. Criteria: ACMG Guidelines, 2015. Collection method: clinical testing. Allele origin: germline. Affected: no.
Comment: BP7

Blueprint Genetics
Classification: Likely benign. Last evaluated: 2024-11-19. Review status: criteria provided, single submitter. Criteria: ACMG Guidelines, 2015. Collection method: clinical testing. Allele origin: germline.

Labcorp Genetics (formerly Invitae), Labcorp
Classification: Likely benign. Last evaluated: 2018-03-05. Review status: criteria provided, single submitter. Criteria: Invitae Variant Classification Sherloc (09022015). Collection method: clinical testing. Allele origin: germline.